The following is an entry in ClinVar:

ClinVar aggregate classification (germline): Uncertain significance. Review status: criteria provided, multiple submitters, no conflicts (2 of 4 stars). 2 submissions from 2 submitters: Uncertain significance (2). Last evaluated 2024-03-26.

Conditions:
Inborn genetic diseases. Identifiers: MedGen C0950123, MeSH D030342.
Compton-North congenital myopathy (CMYO12). Identifiers: Orphanet 210163, MedGen C2675527, MONDO:0012929, OMIM 612540.

Allele frequency attached by ClinVar (database versions not stated): gnomAD exomes below 0.00001 and 0.00009; gnomAD 0.00001; TOPMed 0.00002.
gnomAD v4.1: 127 of 1,613,964 alleles (0.0079%); highest among the groups gnomAD compares: Non-Finnish European, 0.011%; no homozygotes.

Submissions (2):

Ambry Genetics
Classification: Uncertain significance for Inborn genetic diseases. Last evaluated: 2024-03-26. Review status: criteria provided, single submitter. Criteria: Ambry Variant Classification Scheme 2023. Collection method: clinical testing. Allele origin: germline.

Labcorp Genetics (formerly Invitae), Labcorp
Classification: Uncertain significance for Compton-North congenital myopathy. Last evaluated: 2022-02-02. Review status: criteria provided, single submitter. Criteria: Invitae Variant Classification Sherloc (09022015). Collection method: clinical testing. Allele origin: germline.
Comment: In summary, the available evidence is currently insufficient to determine the role of this variant in disease. Therefore, it has been classified as a Variant of Uncertain Significance. Advanced modeling of protein sequence and biophysical properties (such as structural, functional, and spatial information, amino acid conservation, physicochemical variation, residue mobility, and thermodynamic stability) performed at Invitae indicates that this missense variant is not expected to disrupt CNTN1 protein function. ClinVar contains an entry for this variant (Variation ID: 1021431). This variant has not been reported in the literature in individuals affected with CNTN1-related conditions. This variant is present in population databases (no rsID available, gnomAD 0.0009%). This sequence change replaces alanine, which is neutral and non-polar, with threonine, which is neutral and polar, at codon 799 of the CNTN1 protein (p.Ala799Thr).

NM_001843.4(CNTN1):c.2395G>A (p.Ala799Thr)

Gene: CNTN1 (contactin 1; plus strand). Cytogenetic location: 12q12.
Variant type: single nucleotide variant.
Coding change: c.2395G>A on transcript NM_001843.4 (MANE Select); coding-DNA position 2395, G replaced by A.
Protein change: p.Ala799Thr; replaces alanine 799 with threonine.
Molecular consequence: missense variant.
Genome position (GRCh38, 1-based): chr12:41,016,892, G>A. VCF-style: chr12-41016892-G-A. GRCh37 (hg19) VCF-style: chr12-41410694-G-A.
Other names: c.2362G>A, p.Ala788Thr (NM_175038.2); c.2395G>A (NM_001843.2); short protein forms A788T, A799T.
Identifiers: ClinVar variation 1021431 (VCV001021431.6), dbSNP rs1004191780, ClinGen allele CA235947676.